The following is an entry in ClinVar:

NM_032444.4(SLX4):c.5044C>T (p.Pro1682Ser)

Gene: SLX4 (SLX4 structure-specific endonuclease subunit; minus strand). Cytogenetic location: 16p13.3.
Variant type: single nucleotide variant.
Coding change: c.5044C>T on transcript NM_032444.4 (MANE Select); coding-DNA position 5044, C replaced by T.
Protein change: p.Pro1682Ser; replaces proline 1682 with serine.
Molecular consequence: missense variant.
Genome position (GRCh38, 1-based): chr16:3,583,206, G>A on the plus strand (C>T on the coding strand, the complement: SLX4 is on the minus strand). VCF-style: chr16-3583206-G-A. GRCh37 (hg19) VCF-style: chr16-3633207-G-A.
Other names: short protein forms P1682S.
Identifiers: ClinVar variation 2062580 (VCV002062580.2), dbSNP rs868774001, ClinGen allele CA276952615.
Genomic context (GRCh38, chr16:3,583,206, plus strand): 5'-ATTCTTGAGAGGCTGGGATCTGGGCGTCATCATTGAGGCCTGGAGGTGCCTCCTTGGTGG[G>A]CGACCTGCTTGGGGGTGTGATGCTTTCATGATGCTTCCTTTGATGTCGGGGGCCCTTGGT-3'
Protein context (NP_115820.2, residues 1672-1692): HESITPPSRS[Pro1682Ser]TKEAPPGLND

ClinVar aggregate classification (germline): Uncertain significance (1 of 4 stars; one submission).

Conditions:
Fanconi anemia (FA). Also called: Fanconi's anemia. Identifiers: Orphanet 84, MedGen C0015625, MeSH D005199, MONDO:0019391.

Submission:

Labcorp Genetics (formerly Invitae), Labcorp
Classification: Uncertain significance for Fanconi anemia. Last evaluated: 2022-03-10. Review status: criteria provided, single submitter. Criteria: Invitae Variant Classification Sherloc (09022015). Collection method: clinical testing. Allele origin: germline.
Comment: In summary, the available evidence is currently insufficient to determine the role of this variant in disease. Therefore, it has been classified as a Variant of Uncertain Significance. Algorithms developed to predict the effect of missense changes on protein structure and function output the following: SIFT: "Deleterious"; PolyPhen-2: "Benign"; Align-GVGD: "Class C0". The serine amino acid residue is found in multiple mammalian species, which suggests that this missense change does not adversely affect protein function. This variant has not been reported in the literature in individuals affected with SLX4-related conditions. This variant is not present in population databases (gnomAD no frequency). This sequence change replaces proline, which is neutral and non-polar, with serine, which is neutral and polar, at codon 1682 of the SLX4 protein (p.Pro1682Ser).